The following is an entry in ClinVar:

NM_006031.6(PCNT):c.5698C>T (p.Arg1900Cys)

Gene: PCNT (pericentrin; plus strand). Cytogenetic location: 21q22.3.
Variant type: single nucleotide variant.
Coding change: c.5698C>T on transcript NM_006031.6 (MANE Select); coding-DNA position 5698, C replaced by T.
Protein change: p.Arg1900Cys; replaces arginine 1900 with cysteine.
Molecular consequence: missense variant.
Genome position (GRCh38, 1-based): chr21:46,411,771, C>T. VCF-style: chr21-46411771-C-T. GRCh37 (hg19) VCF-style: chr21-47831685-C-T.
Other names: c.5344C>T, p.Arg1782Cys (NM_001315529.2); short protein forms R1782C, R1900C.
Identifiers: ClinVar variation 897511 (VCV000897511.6), dbSNP rs529740865, ClinGen allele CA10080063.

ClinVar aggregate classification (germline): Uncertain significance. Review status: criteria provided, multiple submitters, no conflicts (2 of 4 stars). 3 submissions from 3 submitters: Uncertain significance (2). 1 of the submissions does not count toward it. Last evaluated 2024-09-12.

Conditions:
Inborn genetic diseases. Identifiers: MedGen C0950123, MeSH D030342.
PCNT-related disorder. Also called: PCNT-related condition.
Microcephalic osteodysplastic primordial dwarfism type II (MOPD2). Also called: Microcephalic osteodysplastic primordial dwarfism with tooth abnormalities; MOPD II; OSTEODYSPLASTIC PRIMORDIAL DWARFISM, TYPE II. Identifiers: Orphanet 2637, MedGen C0432246, MONDO:0008872, OMIM 210720.

Allele frequency attached by ClinVar (database versions not stated): gnomAD 0.00004 and 0.00005; TOPMed 0.00007; 1000 Genomes Project 30x 0.00016; 1000 Genomes Project 0.00020.
gnomAD v4.1: 64 of 1,606,598 alleles (0.004%); highest among the groups gnomAD compares: East Asian, 0.02%; no homozygotes.

Submissions (3):

Ambry Genetics
Classification: Uncertain significance for Inborn genetic diseases. Last evaluated: 2024-09-12. Review status: criteria provided, single submitter. Criteria: Ambry Variant Classification Scheme 2023. Collection method: clinical testing. Allele origin: germline.

Illumina Laboratory Services, Illumina
Classification: Uncertain significance for Microcephalic osteodysplastic primordial dwarfism type II. Last evaluated: 2018-01-12. Review status: criteria provided, single submitter. Criteria: ICSL Variant Classification Criteria 13 December 2019. Collection method: clinical testing. Allele origin: germline.

PreventionGenetics, part of Exact Sciences
Classification: Uncertain significance for PCNT-related condition. Last evaluated: 2024-06-20. Review status: no assertion criteria provided. Collection method: clinical testing. Allele origin: germline. Not counted in ClinVar's aggregate classification.
Comment: The PCNT c.5698C>T variant is predicted to result in the amino acid substitution p.Arg1900Cys. To our knowledge, this variant has not been reported in the literature. This variant is reported in 0.029% of alleles in individuals of East Asian descent in gnomAD. At this time, the clinical significance of this variant is uncertain due to the absence of conclusive functional and genetic evidence.